The following is an entry in ClinVar:

ClinVar aggregate classification (germline): Uncertain significance (1 of 4 stars; one submission).

Conditions:
Dystonia 12 (DYT12). Also called: DYT-ATP1A3; Rapid-Onset Dystonia-Parkinsonism (RDP). Identifiers: Orphanet 71517, MedGen C1868681, MONDO:0007496, OMIM 128235.

Submission:

Labcorp Genetics (formerly Invitae), Labcorp
Classification: Uncertain significance for Dystonia 12. Last evaluated: 2025-03-01. Review status: criteria provided, single submitter. Criteria: Invitae Variant Classification Sherloc (09022015). Collection method: clinical testing. Allele origin: germline.
Comment: This sequence change replaces arginine, which is basic and polar, with proline, which is neutral and non-polar, at codon 492 of the ATP1A3 protein (p.Arg492Pro). This variant is not present in population databases (gnomAD no frequency). This variant has not been reported in the literature in individuals affected with ATP1A3-related conditions. Invitae Evidence Modeling of protein sequence and biophysical properties (such as structural, functional, and spatial information, amino acid conservation, physicochemical variation, residue mobility, and thermodynamic stability) has been performed for this missense variant. However, the output from this modeling did not meet the statistical confidence thresholds required to predict the impact of this variant on ATP1A3 protein function. In summary, the available evidence is currently insufficient to determine the role of this variant in disease. Therefore, it has been classified as a Variant of Uncertain Significance.

NM_152296.5(ATP1A3):c.1475G>C (p.Arg492Pro)

Gene: ATP1A3 (ATPase Na+/K+ transporting subunit alpha 3; minus strand). Cytogenetic location: 19q13.2.
Variant type: single nucleotide variant.
Coding change: c.1475G>C on transcript NM_152296.5 (MANE Select); coding-DNA position 1475, G replaced by C.
Protein change: p.Arg492Pro; replaces arginine 492 with proline.
Molecular consequence: missense variant.
Genome position (GRCh38, 1-based): chr19:41,978,761, C>G on the plus strand (G>C on the coding strand, the complement: ATP1A3 is on the minus strand). VCF-style: chr19-41978761-C-G. GRCh37 (hg19) VCF-style: chr19-42482913-C-G.
Other names: c.1508G>C, p.Arg503Pro (NM_001256213.2); c.1514G>C, p.Arg505Pro (NM_001256214.2); short protein forms R492P, R503P, R505P.
Identifiers: ClinVar variation 4802154 (VCV004802154.1).